The following is an entry in ClinVar:

ClinVar aggregate classification (germline): Likely benign (0 of 4 stars; one submission).

Conditions:
LMTK3-related disorder. Also called: LMTK3-related condition.

Submission:

PreventionGenetics, part of Exact Sciences
Classification: Likely benign for LMTK3-related condition. Last evaluated: 2023-06-21. Review status: no assertion criteria provided. Collection method: clinical testing. Allele origin: germline.
Comment: This variant is classified as likely benign based on ACMG/AMP sequence variant interpretation guidelines (Richards et al. 2015 PMID: 25741868, with internal and published modifications).

NM_001388485.1(LMTK3):c.3855GGA[2] (p.Glu1287del)

Gene: LMTK3 (lemur tyrosine kinase 3; minus strand). Cytogenetic location: 19q13.33.
Variant type: Microsatellite.
Coding change: c.3855GGA[2] on transcript NM_001388485.1 (MANE Select); two copies in a row of the 3-base unit GGA starting at c.3855; the reference has three copies in a row; one copy, 3 bases deleted.
Protein change: p.Glu1287del; deletes glutamic acid 1287.
Genome position (GRCh38, 1-based): chr19:48,493,923-48,493,925, TCC deleted on the plus strand (GGA on the coding strand, the reverse complement: LMTK3 is on the minus strand); deleting any 3 consecutive bases within chr19:48,493,923-48,493,933 gives the same sequence; the position shown is the placement nearest the transcript's 3' end. VCF-style (leftmost placement, unchanged base first): chr19-48493922-GTCC-G. GRCh37 (hg19) VCF-style: chr19-48997179-GTCC-G.
Other names: c.3855GGA[2], p.Glu1287del (NM_001080434.2); short protein forms E1287del.
Identifiers: ClinVar variation 3042586 (VCV003042586.2), dbSNP rs781463728, ClinGen allele CA9552306.